The following is an entry in ClinVar:

NM_000232.5(SGCB):c.30del (p.Glu10fs)

Genes: SGCB (sarcoglycan beta; minus strand), LOC129992585 (ATAC-STARR-seq lymphoblastoid silent region 15421; plus strand). Cytogenetic location: 4q12.
Variant type: Deletion.
Coding change: c.30del on transcript NM_000232.5 (MANE Select); coding-DNA position 30, one base deleted (A; older notation c.30delA).
Protein change: p.Glu10fs; shifts the reading frame from glutamic acid 10.
Molecular consequence: frameshift variant.
Genome position (GRCh38, 1-based): chr4:52,038,230, T deleted on the plus strand (A on the coding strand, the reverse complement: SGCB is on the minus strand); the first of 2 consecutive T bases (chr4:52,038,230-52,038,231); deleting either gives the same sequence. VCF-style (leftmost placement, unchanged base first): chr4-52038229-GT-G. GRCh37 (hg19) VCF-style: chr4-52904395-GT-G.
Other names: short protein forms E10fs.
Identifiers: ClinVar variation 1443062 (VCV001443062.9), dbSNP rs2109380824, ClinGen allele CA2524524599.

ClinVar aggregate classification (germline): Pathogenic/Likely pathogenic. Review status: criteria provided, multiple submitters, no conflicts (2 of 4 stars). 3 submissions from 3 submitters: Pathogenic (1); Likely pathogenic (2). Last evaluated 2024-01-24.

Conditions:
Autosomal recessive limb-girdle muscular dystrophy type 2E (LGMDR4). Also called: MUSCULAR DYSTROPHY, LIMB-GIRDLE, AUTOSOMAL RECESSIVE 4. Identifiers: Orphanet 119, MedGen C1858593, MONDO:0011423, OMIM 604286. Disease mechanism: Affects gamma-sarcoglycan and also disrupts the integrity of the entire sarcoglycan complex..

Submissions (3):

Baylor Genetics
Classification: Likely pathogenic for Autosomal recessive limb-girdle muscular dystrophy type 2E. Last evaluated: 2024-01-24. Review status: criteria provided, single submitter. Criteria: ACMG Guidelines, 2015. Collection method: clinical testing. Allele origin: unknown.

Myriad Genetics, Inc.
Classification: Likely pathogenic for Autosomal recessive limb-girdle muscular dystrophy type 2E. Last evaluated: 2022-01-08. Review status: criteria provided, single submitter. Criteria: Myriad Women's Health Autosomal Recessive and X-Linked Classification Criteria (2021). Collection method: clinical testing. Allele origin: unknown.
Comment: NM_000232.4(SGCB):c.30delA(E10Dfs*9) is expected to be pathogenic in the context of beta-sarcoglycanopathy. This variant is predicted to lead to an abnormal or absent protein product due to the creation of a premature termination codon in SGCB, a gene where loss-of-function variants are known to be pathogenic. Please note: this variant was assessed in the context of healthy population screening.

Labcorp Genetics (formerly Invitae), Labcorp
Classification: Pathogenic for Autosomal recessive limb-girdle muscular dystrophy type 2E. Last evaluated: 2021-11-08. Review status: criteria provided, single submitter. Criteria: Invitae Variant Classification Sherloc (09022015). Collection method: clinical testing. Allele origin: germline.
Comment: This variant is not present in population databases (gnomAD no frequency). For these reasons, this variant has been classified as Pathogenic. This variant has not been reported in the literature in individuals affected with SGCB-related conditions. This sequence change creates a premature translational stop signal (p.Glu10Aspfs*9) in the SGCB gene. It is expected to result in an absent or disrupted protein product. Loss-of-function variants in SGCB are known to be pathogenic (PMID: 15938573, 18285821).

Literature cited by the submitters: PubMed 15938573 (cited by Labcorp Genetics (formerly Invitae), Labcorp); PubMed 18285821 (cited by Labcorp Genetics (formerly Invitae), Labcorp).